The following is an entry in ClinVar:

NM_001080432.3(FTO):c.1365G>T (p.Arg455Ser)

Gene: FTO (FTO alpha-ketoglutarate dependent dioxygenase; plus strand). Cytogenetic location: 16q12.2.
Variant type: single nucleotide variant.
Coding change: c.1365G>T on transcript NM_001080432.3 (MANE Select); coding-DNA position 1365, G replaced by T.
Protein change: p.Arg455Ser; replaces arginine 455 with serine.
Molecular consequence: missense variant.
Genome position (GRCh38, 1-based): chr16:54,111,762, G>T. VCF-style: chr16-54111762-G-T. GRCh37 (hg19) VCF-style: chr16-54145674-G-T.
Other names: c.1395G>T, p.Arg465Ser (NM_001363891.2); c.1428G>T, p.Arg476Ser (NM_001363894.2); c.1347G>T, p.Arg449Ser (NM_001363896.2); c.1287G>T, p.Arg429Ser (NM_001363897.2); c.1251G>T, p.Arg417Ser (NM_001363898.2, NM_001363899.2); c.1221G>T, p.Arg407Ser (NM_001363900.2, NM_001363901.2); c.1240G>T, p.Val414Leu (NM_001363903.2); c.852G>T, p.Arg284Ser (NM_001363905.2); and 1 more; short protein forms R455S, R465S, R476S, R407S, R417S, R449S, V414L, R284S.
Identifiers: ClinVar variation 235247 (VCV000235247.3), dbSNP rs376381270, ClinGen allele CA8058624.
Genomic context (GRCh38, chr16:54,111,762, plus strand): 5'-GGGTTGGGGTCTTCTGGGGGTTTCCTCCCGTGGATTAATTTCCTATTTTTACTCTTCCAG[G>T]TGCCAGTCACGAATTGCCCGAACATTACCTGCTGATCAGAAGCCAGAATGTCGGCCATAC-3'
Protein context (NP_001073901.1, residues 445-465): RQNLRREWHA[Arg455Ser]CQSRIARTLP

ClinVar aggregate classification (germline): Uncertain significance (1 of 4 stars; one submission).

Allele frequency attached by ClinVar (database versions not stated): gnomAD 0.00002; TOPMed 0.00004; ESP Exome Variant Server 0.00015; gnomAD exomes 0.00001; ExAC 0.00002.
gnomAD v4.1: 24 of 1,613,952 alleles (0.0015%); highest among the groups gnomAD compares: Non-Finnish European, 0.0019%; no homozygotes.

Submission:

Center for Pediatric Genomic Medicine, Children's Mercy Hospital and Clinics
Classification: Uncertain significance. Last evaluated: 2015-12-21. Review status: criteria provided, single submitter. Criteria: ACMG Guidelines, 2015. Collection method: clinical testing. Allele origin: germline.
ClinVar note: Converted during submission from Uncertain Significance to Uncertain significance.